The following is an entry in ClinVar:

NM_001017980.4(VMA21):c.208A>G (p.Ile70Val)

Gene: VMA21 (vacuolar ATPase assembly factor VMA21; plus strand). Cytogenetic location: Xq28.
Variant type: single nucleotide variant.
Coding change: c.208A>G on transcript NM_001017980.4 (MANE Select); coding-DNA position 208, A replaced by G.
Protein change: p.Ile70Val; replaces isoleucine 70 with valine.
Molecular consequence: missense variant.
Genome position (GRCh38, 1-based): chrX:151,404,960, A>G. VCF-style: chrX-151404960-A-G. GRCh37 (hg19) VCF-style: chrX-150573432-A-G.
Other names: c.373A>G, p.Ile125Val (NM_001363810.1); short protein forms I70V, I125V.
Identifiers: ClinVar variation 1940419 (VCV001940419.5), dbSNP rs2520632586, ClinGen allele CA415271225.

ClinVar aggregate classification (germline): Uncertain significance (1 of 4 stars; one submission).

Conditions:
X-linked myopathy with excessive autophagy (AVM). Also called: Vacuolar myopathy; Autophagic vacuolar myopathy. Identifiers: Orphanet 25980, MedGen C1839615, MONDO:0010684, OMIM 310440.

gnomAD v4.1: 2 of 1,209,308 alleles (0.00017%); highest among the groups gnomAD compares: Non-Finnish European, 0.00022%; no homozygotes.

Submission:

Labcorp Genetics (formerly Invitae), Labcorp
Classification: Uncertain significance for X-linked myopathy with excessive autophagy. Last evaluated: 2022-08-22. Review status: criteria provided, single submitter. Criteria: Invitae Variant Classification Sherloc (09022015). Collection method: clinical testing. Allele origin: germline.
Comment: This sequence change replaces isoleucine, which is neutral and non-polar, with valine, which is neutral and non-polar, at codon 70 of the VMA21 protein (p.Ile70Val). This variant is not present in population databases (gnomAD no frequency). This variant has not been reported in the literature in individuals affected with VMA21-related conditions. Algorithms developed to predict the effect of missense changes on protein structure and function are either unavailable or do not agree on the potential impact of this missense change (SIFT: "Not Available"; PolyPhen-2: "Benign"; Align-GVGD: "Not Available"). In summary, the available evidence is currently insufficient to determine the role of this variant in disease. Therefore, it has been classified as a Variant of Uncertain Significance.